The following is an entry in ClinVar:

NM_021971.4(GMPPB):c.918C>G (p.Cys306Trp)

Gene: GMPPB (GDP-mannose pyrophosphorylase B; minus strand). Cytogenetic location: 3p21.31.
Variant type: single nucleotide variant.
Coding change: c.918C>G on transcript NM_021971.4 (MANE Select); coding-DNA position 918, C replaced by G.
Protein change: p.Cys306Trp; replaces cysteine 306 with tryptophan.
Molecular consequence: missense variant.
Genome position (GRCh38, 1-based): chr3:49,721,998, G>C on the plus strand (C>G on the coding strand, the complement: GMPPB is on the minus strand). VCF-style: chr3-49721998-G-C. GRCh37 (hg19) VCF-style: chr3-49759431-G-C.
Other names: c.918C>G, p.Cys306Trp (NM_013334.4); short protein forms C306W.
Identifiers: ClinVar variation 1006309 (VCV001006309.5), dbSNP rs1186936513, ClinGen allele CA352826895.

ClinVar aggregate classification (germline): Uncertain significance (1 of 4 stars; one submission).

Conditions:
Muscular dystrophy-dystroglycanopathy (congenital with brain and eye anomalies), type A14. Also called: WALKER-WARBURG SYNDROME OR MUSCLE-EYE-BRAIN DISEASE, GMPPB-RELATED; Muscular dystrophy-dystroglycanopathy (congenital with brain and eye anomalies), type a, 14; Congenital Muscular Dystrophy-Dystroglycanopathy with Brain and Eye Anomalies Type A 14; Congenital muscular dystrophy-dystroglycanopathy with brain and eye anomalies, type A14. Identifiers: Orphanet 588, MedGen C3809216, MONDO:0014140, OMIM 615350.
Muscular dystrophy-dystroglycanopathy (congenital with impaired intellectual development), type B, 14. Also called: MUSCULAR DYSTROPHY, CONGENITAL, GMPPB-RELATED; Muscular dystrophy-dystroglycanopathy (congenital with intellectual disability), type B14; Congenital muscular dystrophy-dystroglycanopathy with mental retardation, type B14. Identifiers: MedGen C3809221, MONDO:0014141, OMIM 615351.
Autosomal recessive limb-girdle muscular dystrophy type 2T. Also called: MUSCULAR DYSTROPHY-DYSTROGLYCANOPATHY, LIMB-GIRDLE, GMPPB-RELATED; MUSCULAR DYSTROPHY, LIMB-GIRDLE, TYPE 2T; Muscular dystrophy-dystroglycanopathy (limb-girdle), type c, 14; Limb-girdle muscular dystrophy-dystroglycanopathy, type C14. Identifiers: Orphanet 363623, MedGen C4518000, MONDO:0014142, OMIM 615352.

Allele frequency attached by ClinVar (database versions not stated): TOPMed 0.00001.
gnomAD v4.1: 1 of 1,590,674 alleles (0.000063%); highest among the groups gnomAD compares: Non-Finnish European, 0.000086%; no homozygotes.

Submission:

Labcorp Genetics (formerly Invitae), Labcorp
Classification: Uncertain significance for Autosomal recessive limb-girdle muscular dystrophy type 2T; Muscular dystrophy-dystroglycanopathy (congenital with brain and eye anomalies), type A14; Muscular dystrophy-dystroglycanopathy (congenital with impaired intellectual development), type B, 14. Last evaluated: 2020-02-05. Review status: criteria provided, single submitter. Criteria: Invitae Variant Classification Sherloc (09022015). Collection method: clinical testing. Allele origin: germline.
Comment: This sequence change replaces cysteine with tryptophan at codon 306 of the GMPPB protein (p.Cys306Trp). The cysteine residue is moderately conserved and there is a large physicochemical difference between cysteine and tryptophan. In summary, the available evidence is currently insufficient to determine the role of this variant in disease. Therefore, it has been classified as a Variant of Uncertain Significance. Algorithms developed to predict the effect of missense changes on protein structure and function are either unavailable or do not agree on the potential impact of this missense change (SIFT: "Deleterious"; PolyPhen-2: "Probably Damaging"; Align-GVGD: "Class C15"). This variant has not been reported in the literature in individuals with GMPPB-related conditions. This variant is not present in population databases (ExAC no frequency).